The following is an entry in ClinVar:

ClinVar aggregate classification (germline): Uncertain significance (1 of 4 stars; one submission).

Conditions:
Long QT syndrome (LQTS). Identifiers: MedGen C0023976, MeSH D008133, MONDO:0002442. Disease mechanism: loss of function. Inheritance: Various modes of inheritance.

Submission:

Labcorp Genetics (formerly Invitae), Labcorp
Classification: Uncertain significance for Long QT syndrome. Last evaluated: 2024-10-18. Review status: criteria provided, single submitter. Criteria: Invitae Variant Classification Sherloc (09022015). Collection method: clinical testing. Allele origin: germline.
Comment: This sequence change affects codon 3243 of the AKAP9 mRNA. It is a 'silent' change, meaning that it does not change the encoded amino acid sequence of the AKAP9 protein. This variant also falls at the last nucleotide of exon 40, which is part of the consensus splice site for this exon. This variant is not present in population databases (gnomAD no frequency). This variant has not been reported in the literature in individuals affected with AKAP9-related conditions. ClinVar contains an entry for this variant (Variation ID: 1935381). Variants that disrupt the consensus splice site are a relatively common cause of aberrant splicing (PMID: 17576681, 9536098). Algorithms developed to predict the effect of sequence changes on RNA splicing suggest that this variant may disrupt the consensus splice site. In summary, the available evidence is currently insufficient to determine the role of this variant in disease. Therefore, it has been classified as a Variant of Uncertain Significance.

Literature cited by the submitters: PubMed 17576681; PubMed 9536098.

NM_005751.5(AKAP9):c.9729G>A (p.Glu3243=)

Gene: AKAP9 (A-kinase anchoring protein 9; plus strand). Cytogenetic location: 7q21.2.
Variant type: single nucleotide variant.
Coding change: c.9729G>A on transcript NM_005751.5 (MANE Select); coding-DNA position 9729, G replaced by A.
Protein change: p.Glu3243=; no amino-acid change (glutamic acid 3243 retained).
Molecular consequence: synonymous variant.
Genome position (GRCh38, 1-based): chr7:92,095,173, G>A. VCF-style: chr7-92095173-G-A. GRCh37 (hg19) VCF-style: chr7-91724487-G-A.
Other names: c.4374G>A, p.Glu1458= (NM_001379277.1); c.9705G>A, p.Glu3235= (NM_147185.3).
Identifiers: ClinVar variation 1935381 (VCV001935381.5), dbSNP rs2535295216, ClinGen allele CA456453482.